The following is an entry in ClinVar:

NM_001122955.4(BSCL2):c.490C>A (p.Leu164Met)

Genes: BSCL2 (BSCL2 lipid droplet biogenesis associated, seipin; minus strand), HNRNPUL2-BSCL2 (HNRNPUL2-BSCL2 readthrough (NMD candidate); minus strand). Cytogenetic location: 11q12.3.
Variant type: single nucleotide variant.
Coding change: c.490C>A on transcript NM_001122955.4 (MANE Select); coding-DNA position 490, C replaced by A.
Protein change: p.Leu164Met; replaces leucine 164 with methionine.
Molecular consequence: missense variant. On other transcripts: non-coding transcript variant (1).
Genome position (GRCh38, 1-based): chr11:62,694,708, G>T on the plus strand (C>A on the coding strand, the complement: BSCL2 is on the minus strand). VCF-style: chr11-62694708-G-T. GRCh37 (hg19) VCF-style: chr11-62462180-G-T.
Other names: c.298C>A, p.Leu100Met (NM_001130702.2, NM_032667.6); c.490C>A, p.Leu164Met (NM_001386027.1, NM_001386028.1); short protein forms L100M, L164M.
Identifiers: ClinVar variation 4701785 (VCV004701785.1).

ClinVar aggregate classification (germline): Uncertain significance (1 of 4 stars; one submission).

Conditions:
Charcot-Marie-Tooth disease type 2. Also called: Charcot-Marie-Tooth type 2. Identifiers: Orphanet 64746, MedGen C0270914, MONDO:0018993.

gnomAD v4.1: 1 of 1,614,038 alleles (0.000062%); highest among the groups gnomAD compares: East Asian, 0.0022%; no homozygotes.

Submission:

Labcorp Genetics (formerly Invitae), Labcorp
Classification: Uncertain significance for Charcot-Marie-Tooth disease type 2. Last evaluated: 2025-04-19. Review status: criteria provided, single submitter. Criteria: Invitae Variant Classification Sherloc (09022015). Collection method: clinical testing. Allele origin: germline.
Comment: This sequence change replaces leucine, which is neutral and non-polar, with methionine, which is neutral and non-polar, at codon 100 of the BSCL2 protein (p.Leu100Met). This variant is not present in population databases (gnomAD no frequency). This variant has not been reported in the literature in individuals affected with BSCL2-related conditions. Invitae Evidence Modeling of protein sequence and biophysical properties (such as structural, functional, and spatial information, amino acid conservation, physicochemical variation, residue mobility, and thermodynamic stability) indicates that this missense variant is not expected to disrupt BSCL2 protein function with a negative predictive value of 80%. In summary, the available evidence is currently insufficient to determine the role of this variant in disease. Therefore, it has been classified as a Variant of Uncertain Significance.